The following is an entry in ClinVar:

ClinVar aggregate classification (germline): Uncertain significance (1 of 4 stars; one submission).

Allele frequency attached by ClinVar (database versions not stated): gnomAD exomes below 0.00001.
gnomAD v4.1: 2 of 1,614,098 alleles (0.00012%); highest among the groups gnomAD compares: East Asian, 0.0022%; no homozygotes.

Submission:

Labcorp Genetics (formerly Invitae), Labcorp
Classification: Uncertain significance. Last evaluated: 2021-03-24. Review status: criteria provided, single submitter. Criteria: Invitae Variant Classification Sherloc (09022015). Collection method: clinical testing. Allele origin: germline.
Comment: In summary, the available evidence is currently insufficient to determine the role of this variant in disease. Therefore, it has been classified as a Variant of Uncertain Significance. Algorithms developed to predict the effect of missense changes on protein structure and function are either unavailable or do not agree on the potential impact of this missense change (SIFT: "Deleterious"; PolyPhen-2: "Possibly Damaging"; Align-GVGD: "Class C0"). This variant has not been reported in the literature in individuals with ZNF513-related conditions. This variant is not present in population databases (ExAC no frequency). This sequence change replaces aspartic acid with asparagine at codon 37 of the ZNF513 protein (p.Asp37Asn). The aspartic acid residue is highly conserved and there is a small physicochemical difference between aspartic acid and asparagine.

NM_144631.6(ZNF513):c.109G>A (p.Asp37Asn)

Gene: ZNF513 (zinc finger protein 513; minus strand). Cytogenetic location: 2p23.3.
Variant type: single nucleotide variant.
Coding change: c.109G>A on transcript NM_144631.6 (MANE Select); coding-DNA position 109, G replaced by A.
Protein change: p.Asp37Asn; replaces aspartic acid 37 with asparagine.
Molecular consequence: missense variant. On other transcripts: 5 prime UTR variant (1).
Genome position (GRCh38, 1-based): chr2:27,380,195, C>T on the plus strand (G>A on the coding strand, the complement: ZNF513 is on the minus strand). VCF-style: chr2-27380195-C-T. GRCh37 (hg19) VCF-style: chr2-27603062-C-T.
Other names: c.-78G>A (NM_001201459.2); short protein forms D37N.
Identifiers: ClinVar variation 1427055 (VCV001427055.8), dbSNP rs1156344338, ClinGen allele CA346220010.
Genomic context (GRCh38, chr2:27,380,195, plus strand): 5'-CGTCGCCTTCCTCCTCTTCCTCTTCCTCCTCAAACTCCAGATCCTGGCCTAGTAGCAAAT[C>T]ACTCTCCAATACCAGGGCCCCGGGTCCTTCGTCGAGGGAGTCTTCAGTATCCACTGAAGA-3'
Protein context (NP_653232.3, residues 27-47): EGPGALVLES[Asp37Asn]LLLGQDLEFE